The following is an entry in ClinVar:

NM_001999.4(FBN2):c.6598A>G (p.Met2200Val)

Gene: FBN2 (fibrillin 2; minus strand). Cytogenetic location: 5q23.3.
Variant type: single nucleotide variant.
Coding change: c.6598A>G on transcript NM_001999.4 (MANE Select); coding-DNA position 6598, A replaced by G.
Protein change: p.Met2200Val; replaces methionine 2200 with valine.
Molecular consequence: missense variant.
Genome position (GRCh38, 1-based): chr5:128,289,166, T>C on the plus strand (A>G on the coding strand, the complement: FBN2 is on the minus strand). VCF-style: chr5-128289166-T-C. GRCh37 (hg19) VCF-style: chr5-127624858-T-C.
Other names: short protein forms M2200V.
Identifiers: ClinVar variation 213420 (VCV000213420.12), dbSNP rs766808076, ClinGen allele CA322515.

ClinVar aggregate classification (germline): Conflicting classifications of pathogenicity. Review status: criteria provided, conflicting classifications (1 of 4 stars). 4 submissions from 4 submitters: Uncertain significance (3); Benign (1). Last evaluated 2025-12-11.

Conditions:
FBN2-related disorder. Also called: FBN2-related condition.
Familial thoracic aortic aneurysm and aortic dissection (TAAD). Also called: Thoracic aortic aneurysms and dissections. Identifiers: Orphanet 91387, MedGen C4707243, MONDO:0019625.
Congenital contractural arachnodactyly (CCA). Also called: Beals-Hecht syndrome; BEALS SYNDROME; Arthrogryposis, distal, type 9. Identifiers: Orphanet 115, MedGen C0220668, MONDO:0007363, OMIM 121050.

Allele frequency attached by ClinVar (database versions not stated): ExAC 0.00001; gnomAD 0.00001; gnomAD exomes 0.00002 and 0.00003; TOPMed 0.00003.
gnomAD v4.1: 43 of 1,613,988 alleles (0.0027%); highest among the groups gnomAD compares: Admixed American, 0.0067%; no homozygotes.

Submissions (4):

Labcorp Genetics (formerly Invitae), Labcorp
Classification: Benign for Congenital contractural arachnodactyly. Last evaluated: 2025-12-11. Review status: criteria provided, single submitter. Criteria: Invitae Variant Classification Sherloc (09022015). Collection method: clinical testing. Allele origin: germline.

Ambry Genetics
Classification: Uncertain significance for Familial thoracic aortic aneurysm and aortic dissection. Last evaluated: 2025-08-05. Review status: criteria provided, single submitter. Criteria: Ambry Variant Classification Scheme 2023. Collection method: clinical testing. Allele origin: germline.
Comment: The p.M2200V variant (also known as c.6598A>G), located in coding exon 52 of the FBN2 gene, results from an A to G substitution at nucleotide position 6598. The methionine at codon 2200 is replaced by valine, an amino acid with highly similar properties. This amino acid position is well conserved in available vertebrate species. In addition, this alteration is predicted to be tolerated by in silico analysis. Based on the available evidence, the clinical significance of this variant remains unclear.

PreventionGenetics, part of Exact Sciences
Classification: Uncertain significance for FBN2-related condition. Last evaluated: 2023-08-10. Review status: criteria provided, single submitter. Criteria: ACMG Guidelines, 2015. Collection method: clinical testing. Allele origin: germline.
Comment: The FBN2 c.6598A>G variant is predicted to result in the amino acid substitution p.Met2200Val. To our knowledge, this variant has not been reported in the literature. This variant is reported in 0.0056% of alleles in individuals of Latino descent in gnomAD. At this time, the clinical significance of this variant is uncertain due to the absence of conclusive functional and genetic evidence.

GeneDx
Classification: Uncertain significance. Last evaluated: 2016-03-01. Review status: criteria provided, single submitter. Criteria: GeneDx Variant Classification (06012015). Collection method: clinical testing. Allele origin: germline. Affected: yes.
Comment: The M2200V variant has not been published as a mutation, nor has it been reported as a benign polymorphism to our knowledge. The M2200V variant was not observed in approximately 6,500 individuals of European and African American ancestry in the NHLBI Exome Sequencing Project, indicating it is not a common benign variant in these populations. This substitution occurs at a position that is conserved across species. However, in silico analysis is inconsistent in its predictions as to whether or not the variant is damaging to the protein structure/function. The M2200V variant is a conservative amino acid substitution, which is not likely to impact secondary protein structure as these residues share similar properties. Additionally, no missense mutations in nearby residues have been reported in the Human Gene Mutation Database in association with Marfan syndrome. Therefore, based on the currently available information, it is unclear whether this variant is a pathogenic mutation or a rare benign variant.